The following is an entry in ClinVar:

NM_001457.4(FLNB):c.927_928inv (p.Asp310Asn)

Gene: FLNB (filamin B; plus strand). Cytogenetic location: 3p14.3.
Variant type: Inversion.
Coding change: c.927_928inv on transcript NM_001457.4 (MANE Select).
Protein change: p.Asp310Asn; replaces aspartic acid 310 with asparagine.
Molecular consequence: missense variant.
Genome position: GRCh38 VCF-style: chr3-58096161-TG-CA. GRCh37 (hg19) VCF-style: chr3-58081888-TG-CA.
Other names: c.927_928inv, p.Asp310Asn (NM_001164317.2, NM_001164318.2, NM_001164319.2); short protein forms D310N.
Identifiers: ClinVar variation 1901408 (VCV001901408.5), ClinGen allele CA2580070362.

ClinVar aggregate classification (germline): Uncertain significance (1 of 4 stars; one submission).

Submission:

Labcorp Genetics (formerly Invitae), Labcorp
Classification: Uncertain significance. Last evaluated: 2024-09-13. Review status: criteria provided, single submitter. Criteria: Invitae Variant Classification Sherloc (09022015). Collection method: clinical testing. Allele origin: germline.
Comment: This sequence change replaces aspartic acid, which is acidic and polar, with asparagine, which is neutral and polar, at codon 310 of the FLNB protein (p.Asp310Asn). Information on the frequency of this variant in the gnomAD database is not available, as this variant may be reported differently in the database. This variant has not been reported in the literature in individuals affected with FLNB-related conditions. ClinVar contains an entry for this variant (Variation ID: 1901408). Experimental studies and prediction algorithms are not available or were not evaluated, and the functional significance of this variant is currently unknown. In summary, the available evidence is currently insufficient to determine the role of this variant in disease. Therefore, it has been classified as a Variant of Uncertain Significance.